The following is an entry in ClinVar:

ClinVar aggregate classification (germline): Pathogenic. Review status: criteria provided, multiple submitters, no conflicts (2 of 4 stars). 2 submissions from 2 submitters: Pathogenic (2). Last evaluated 2026-05-21.

Conditions:
Neurofibromatosis, type 1 (NF1). Also called: VON RECKLINGHAUSEN DISEASE; Neurofibromatosis, type I; NEUROFIBROMATOSIS, TYPE I, SOMATIC; Peripheral type neurofibromatosis. Identifiers: Orphanet 636, MedGen C0027831, MONDO:0018975, OMIM 162200. Disease mechanism: loss of function.
Cardiovascular phenotype. Identifiers: MedGen CN230736.
Hereditary cancer-predisposing syndrome. Also called: Tumor predisposition; Hereditary Cancer Syndrome; Neoplastic Syndromes, Hereditary; Hereditary neoplastic syndrome. Identifiers: Orphanet 140162, MedGen C0027672, MeSH D009386, MONDO:0015356.

Submissions (2):

Ambry Genetics
Classification: Pathogenic for Cardiovascular phenotype; Hereditary cancer-predisposing syndrome. Last evaluated: 2026-05-21. Review status: criteria provided, single submitter. Criteria: Ambry Variant Classification Scheme 2023. Collection method: clinical testing. Allele origin: germline.
Comment: The c.288+2T>C intronic pathogenic mutation results from a T to C substitution two nucleotides after coding exon 3 in the NF1 gene. This variant was reported in individual(s) with features consistent with neurofibromatosis type 1 (Ambry internal data). In silico splice site analysis predicts that this alteration will weaken the native splice donor site. RNA studies have demonstrated that this variant results in abnormal splicing in the set of samples tested (Ambry internal data). Other variant(s) impacting the same donor site (c.288+1G>T) have been identified in individual(s) with features consistent with neurofibromatosis type 1 (Pillai S et al. Exp Mol Pathol 2017 02;102(1):41-46; Liu MT et al. J Hum Genet 2003 Sep;48(10):545-549; Sabbagh A et al. Hum Mutat 2013 Nov;34(11):1510-8; Zhang J et al. Sci Rep 2015 Jun;5:11291; Crona J et al. PLoS One 2015 Jul;10(7):e0133210). This nucleotide position is highly conserved in available vertebrate species. This variant is considered to be rare based on population cohorts in the Genome Aggregation Database (gnomAD). Based on the supporting evidence, this variant is interpreted as a disease-causing mutation.

Labcorp Genetics (formerly Invitae), Labcorp
Classification: Pathogenic for Neurofibromatosis, type 1. Last evaluated: 2025-12-01. Review status: criteria provided, single submitter. Criteria: Invitae Variant Classification Sherloc (09022015). Collection method: clinical testing. Allele origin: germline.
Comment: This sequence change affects a donor splice site in intron 3 of the NF1 gene. It is expected to disrupt RNA splicing. Variants that disrupt the donor or acceptor splice site typically lead to a loss of protein function (PMID: 16199547), and loss-of-function variants in NF1 are known to be pathogenic (PMID: 10712197, 23913538). This variant is not present in population databases (gnomAD no frequency). Disruption of this splice site has been observed in individual(s) with clinical features of NF1-related conditions (PMID: 18546366; internal data). In at least one individual the variant was observed to be de novo. Invitae Evidence Modeling of clinical and family history, age, sex, and reported ancestry of multiple individuals with this NF1 variant has been performed. This variant is expected to be pathogenic with a positive predictive value of at least 99%. This is a validated machine learning model that incorporates the clinical features of 1,785,918 individuals referred to our laboratory for NF1 testing. ClinVar contains an entry for this variant (Variation ID: 581065). Algorithms developed to predict the effect of sequence changes on RNA splicing suggest that this variant may disrupt the consensus splice site. For these reasons, this variant has been classified as Pathogenic.

Literature cited by the submitters: PubMed 16199547 (cited by Labcorp Genetics (formerly Invitae), Labcorp); PubMed 10712197 (cited by Labcorp Genetics (formerly Invitae), Labcorp); PubMed 23913538 (cited by Labcorp Genetics (formerly Invitae), Labcorp); PubMed 18546366 (cited by Labcorp Genetics (formerly Invitae), Labcorp).

NM_001042492.3(NF1):c.288+2T>C

Gene: NF1 (neurofibromin 1; plus strand). Cytogenetic location: 17q11.2.
Variant type: single nucleotide variant.
Coding change: c.288+2T>C on transcript NM_001042492.3 (MANE Select); the canonical splice donor site of the intron after coding-DNA position 288, T replaced by C.
Molecular consequence: splice donor variant.
Genome position (GRCh38, 1-based): chr17:31,159,095, T>C. VCF-style: chr17-31159095-T-C. GRCh37 (hg19) VCF-style: chr17-29486113-T-C.
Other names: c.288+2T>C (NM_000267.4, NM_001128147.3).
Identifiers: ClinVar variation 581065 (VCV000581065.8), dbSNP rs1555605406, ClinGen allele CA398989913.